The following is an entry in ClinVar:

NM_000557.5(GDF5):c.*193G>T

Genes: GDF5 (growth differentiation factor 5; minus strand), GDF5-AS1 (GDF5 antisense RNA 1; plus strand). Cytogenetic location: 20q11.22.
Variant type: single nucleotide variant.
Coding change: c.*193G>T on transcript NM_000557.5 (MANE Select); 193 bases downstream of the stop codon, G replaced by T.
Molecular consequence: 3 prime UTR variant.
Genome position (GRCh38, 1-based): chr20:35,433,716, C>A on the plus strand (G>T on the coding strand, the complement: GDF5 is on the minus strand). VCF-style: chr20-35433716-C-A. GRCh37 (hg19) VCF-style: chr20-34021514-C-A.
Other names: c.*193G>T (NM_001319138.2).
Identifiers: ClinVar variation 338314 (VCV000338314.6), dbSNP rs114832948, ClinGen allele CA10653096.
Genomic context (GRCh38, chr20:35,433,716, plus strand): 5'-CTGTCTCCCTGGACCTGTGCCTGCCACTGGTCACATCAGCAGACGGGCAGCAATCCTCAG[C>A]CAGGGGAACTTGTGGATAAAAGGGGGCCTTTAGCCCAAGTCACACTCAGAGAGCGAGCAA-3'

ClinVar aggregate classification (germline): Benign. Review status: criteria provided, multiple submitters, no conflicts (2 of 4 stars). 6 submissions from 2 submitters: Benign (6). Last evaluated 2020-09-01.

Conditions:
Brachydactyly. Also called: Brachydactyly syndrome; Brachydactyly (disease). Identifiers: MedGen C0221357, MONDO:0021004, HP:0001156.
Multiple synostoses syndrome 2 (SYNS2). Identifiers: Orphanet 3237, MedGen C1832708, MONDO:0012394, OMIM 610017.
Acromesomelic dysplasia 2B. Also called: DU PAN SYNDROME. Identifiers: Orphanet 2639, MedGen C1856738, MONDO:0009231, OMIM 228900.
Grebe syndrome. Also called: ACROMESOMELIC DYSPLASIA, GREBE TYPE; GREBE DYSPLASIA; ACROMESOMELIC DYSPLASIA 2A. Identifiers: Orphanet 2098, MedGen C0265260, MONDO:0008703, OMIM 200700.
Acromesomelic dysplasia 2C, Hunter-Thompson type. Also called: Acromesomelic dysplasia, Hunter-Thompson type. Identifiers: Orphanet 968, MedGen C2930970, MONDO:0008717, OMIM 201250.

Allele frequency attached by ClinVar (database versions not stated): gnomAD exomes 0.00256; gnomAD 0.01997 and 0.02139; TOPMed 0.02316; 1000 Genomes Project 0.02496; 1000 Genomes Project 30x 0.02623.
gnomAD v4.1: 4,436 of 659,324 alleles (0.67%); highest among the groups gnomAD compares: African/African-American, 6.8%; 158 homozygotes.

Submissions (6):

GeneDx
Classification: Benign. Last evaluated: 2020-09-01. Review status: criteria provided, single submitter. Criteria: GeneDx Variant Classification Process June 2021. Collection method: clinical testing. Allele origin: germline. Affected: yes.

Illumina Laboratory Services, Illumina
Classification: Benign for Grebe syndrome. Last evaluated: 2018-01-12. Review status: criteria provided, single submitter. Criteria: ICSL Variant Classification Criteria 13 December 2019. Collection method: clinical testing. Allele origin: germline.
Comment: This variant was observed in the ICSL laboratory as part of a predisposition screen in an ostensibly healthy population. It had not been previously curated by ICSL or reported in the Human Gene Mutation Database (HGMD: prior to June 1st, 2018), and was therefore a candidate for classification through an automated scoring system. Utilizing variant allele frequency, disease prevalence and penetrance estimates, and inheritance mode, an automated score was calculated to assess if this variant is too frequent to cause the disease. Based on the score and internal cut-off values, a variant classified as benign is not then subjected to further curation. The score for this variant resulted in a classification of benign for this disease.

Illumina Laboratory Services, Illumina
Classification: Benign for Brachydactyly. Last evaluated: 2018-01-12. Review status: criteria provided, single submitter. Criteria: ICSL Variant Classification Criteria 13 December 2019. Collection method: clinical testing. Allele origin: germline.
Comment: the same text as in the submission from Illumina Laboratory Services, Illumina above.

Illumina Laboratory Services, Illumina
Classification: Benign for Multiple synostoses syndrome 2. Last evaluated: 2018-01-12. Review status: criteria provided, single submitter. Criteria: ICSL Variant Classification Criteria 13 December 2019. Collection method: clinical testing. Allele origin: germline.
Comment: the same text as in the submission from Illumina Laboratory Services, Illumina above.

Illumina Laboratory Services, Illumina
Classification: Benign for Fibular hypoplasia and complex brachydactyly. Last evaluated: 2018-01-12. Review status: criteria provided, single submitter. Criteria: ICSL Variant Classification Criteria 13 December 2019. Collection method: clinical testing. Allele origin: germline.
Comment: the same text as in the submission from Illumina Laboratory Services, Illumina above.

Illumina Laboratory Services, Illumina
Classification: Benign for Acromesomelic dysplasia 2C, Hunter-Thompson type. Last evaluated: 2018-01-12. Review status: criteria provided, single submitter. Criteria: ICSL Variant Classification Criteria 13 December 2019. Collection method: clinical testing. Allele origin: germline.
Comment: the same text as in the submission from Illumina Laboratory Services, Illumina above.